The following is an entry in ClinVar:

ClinVar aggregate classification (germline): Likely benign. Review status: criteria provided, multiple submitters, no conflicts (2 of 4 stars). 4 submissions from 4 submitters: Likely benign (4). Last evaluated 2025-06-06.

Conditions:
Long QT syndrome (LQTS). Identifiers: MedGen C0023976, MeSH D008133, MONDO:0002442. Disease mechanism: loss of function. Inheritance: Various modes of inheritance.
Cardiac arrhythmia. Also called: Arrhythmia; Cardiac rhythm disease. Identifiers: MedGen C0003811, MONDO:0007263, HP:0011675.

Allele frequency attached by ClinVar (database versions not stated): gnomAD exomes below 0.00001; TOPMed below 0.00001; gnomAD 0.00001.
gnomAD v4.1: 5 of 1,591,686 alleles (0.00031%); highest among the groups gnomAD compares: African/African-American, 0.0027%; no homozygotes.

Submissions (4):

Labcorp Genetics (formerly Invitae), Labcorp
Classification: Likely benign for Long QT syndrome. Last evaluated: 2025-06-06. Review status: criteria provided, single submitter. Criteria: Invitae Variant Classification Sherloc (09022015). Collection method: clinical testing. Allele origin: germline.

Women's Health and Genetics/Laboratory Corporation of America, LabCorp
Classification: Likely benign. Last evaluated: 2025-04-24. Review status: criteria provided, single submitter. Criteria: LabCorp Variant Classification Summary - May 2015. Collection method: clinical testing. Allele origin: germline.
Comment: Variant summary: KCNH2 c.1946-8G>A alters a non-conserved nucleotide located at a position not widely known to affect splicing. Consensus agreement among computation tools predict no significant impact on normal splicing. However, these predictions have yet to be confirmed by functional studies. The variant was absent in 237182 control chromosomes. The available data on variant occurrences in the general population are insufficient to allow any conclusion about variant significance. To our knowledge, no occurrence of c.1946-8G>A in individuals affected with Arrhythmia and no experimental evidence demonstrating its impact on protein function have been reported. ClinVar contains an entry for this variant (Variation ID: 1145651). Based on the evidence outlined above, the variant was classified as likely benign.

All of Us Research Program, National Institutes of Health
Classification: Likely benign for Long QT syndrome. Last evaluated: 2024-04-16. Review status: criteria provided, single submitter. Criteria: ACMG Guidelines, 2015. Collection method: clinical testing. Allele origin: germline. Inheritance: Autosomal dominant inheritance. Observed: 3 variant alleles, 3 heterozygotes.
Comment: This study involves interpretation of variants in research participants for the purpose of population health screening. Participant phenotype was not available at the time of variant classification. Additional details can be found in publication PMID: 35346344, PMCID: PMC8962531

Color Diagnostics, LLC DBA Color Health
Classification: Likely benign for Cardiac arrhythmia. Last evaluated: 2022-11-01. Review status: criteria provided, single submitter. Criteria: ACMG Guidelines, 2015. Collection method: clinical testing. Allele origin: germline.

NM_000238.4(KCNH2):c.1946-8G>A

Gene: KCNH2 (potassium voltage-gated channel subfamily H member 2; minus strand). Cytogenetic location: 7q36.1.
Variant type: single nucleotide variant.
Coding change: c.1946-8G>A on transcript NM_000238.4 (MANE Select); 8 bases into the intron before coding-DNA position 1946, G replaced by A.
Molecular consequence: intron variant.
Genome position (GRCh38, 1-based): chr7:150,951,128, C>T on the plus strand (G>A on the coding strand, the complement: KCNH2 is on the minus strand). VCF-style: chr7-150951128-C-T. GRCh37 (hg19) VCF-style: chr7-150648216-C-T.
Other names: c.1658-8G>A (NM_001406753.1, NM_001406756.1); c.926-8G>A (NM_172057.3, NM_001204798.2); c.1946-8G>A (NM_172056.3); c.1769-8G>A (NM_001406755.1); c.1646-8G>A (NM_001406757.1).
Identifiers: ClinVar variation 1145651 (VCV001145651.16), dbSNP rs1384850938, ClinGen allele CA835225854.
Genomic context (GRCh38, chr7:150,951,128, plus strand): 5'-CAGCCGCTGGATGATGGCCGACACGTTGCCGAAGATGCTAGCATACATGAGGGCTGGGGG[C>T]GTGGGCACGTGGGGCCGTCAGCCTCTGCAGGGACCCCACCCACCCACAGGGACCCTGCTC-3'